The following is an entry in ClinVar:

ClinVar aggregate classification (germline): Likely benign. Review status: criteria provided, multiple submitters, no conflicts (2 of 4 stars). 2 submissions from 2 submitters: Likely benign (2). Last evaluated 2025-10-14.

Conditions:
Primary ciliary dyskinesia. Also called: Ciliary dyskinesia. Identifiers: Orphanet 244, MedGen C0008780, MONDO:0016575, HP:0012265.

Allele frequency attached by ClinVar (database versions not stated): gnomAD exomes 0.00003.
gnomAD v4.1: 9 of 341,541 alleles (0.0026%); highest among the groups gnomAD compares: Non-Finnish European, 0.0036%; no homozygotes.

Submissions (2):

Labcorp Genetics (formerly Invitae), Labcorp
Classification: Likely benign for Primary ciliary dyskinesia. Last evaluated: 2025-10-14. Review status: criteria provided, single submitter. Criteria: Invitae Variant Classification Sherloc (09022015). Collection method: clinical testing. Allele origin: germline.

CeGaT Center for Human Genetics Tuebingen
Classification: Likely benign. Last evaluated: 2023-12-01. Review status: criteria provided, single submitter. Criteria: CeGaT Center For Human Genetics Tuebingen Variant Classification Criteria Version 2. Collection method: clinical testing. Allele origin: germline. Affected: yes. Observed: 1 variant allele.
Comment: RPGR: PM2:Supporting, BP4, BP7

NM_001034853.2(RPGR):c.2946A>G (p.Glu982=)

Gene: RPGR (retinitis pigmentosa GTPase regulator; minus strand). Cytogenetic location: Xp11.4.
Variant type: single nucleotide variant.
Coding change: c.2946A>G on transcript NM_001034853.2 (MANE Select); coding-DNA position 2946, A replaced by G.
Protein change: p.Glu982=; no amino-acid change (glutamic acid 982 retained).
Molecular consequence: synonymous variant. On other transcripts: intron variant (8).
Genome position (GRCh38, 1-based): chrX:38,286,053, T>C on the plus strand (A>G on the coding strand, the complement: RPGR is on the minus strand). VCF-style: chrX-38286053-T-C. GRCh37 (hg19) VCF-style: chrX-38145306-T-C.
Other names: c.1569+4906A>G (NM_001367249.1, NM_001367250.1); c.1902+1041A>G (NM_001367245.1); c.1386+4906A>G (NM_001367251.1); c.1719+1041A>G (NM_001367246.1); c.1572+4906A>G (NM_001367247.1); c.1905+1041A>G (NM_000328.3); c.1602+4906A>G (NM_001367248.1).
Identifiers: ClinVar variation 2198146 (VCV002198146.26), dbSNP rs1165629800, ClinGen allele CA515709079.
Genomic context (GRCh38, chrX:38,286,053, plus strand): 5'-TTCTTCCTCCCCTTCTTCTTCCCCTTCCTCCTCTTCCCCCTCCCCTTCTCCTTCCTCCTC[T>C]TCCCCCTCCCCTTCTCCTTCCTCCCCTTCCCCTTCTCCTTCCTCTTCCCCCTCCCCTTCT-3'
Protein context (NP_001030025.1, residues 972-992): GEGEEGEGEG[Glu982=]EEEGEGEGEE